The following is an entry in ClinVar:

ClinVar aggregate classification (germline): Uncertain significance (1 of 4 stars; one submission).

Conditions:
Desbuquois dysplasia 1 (DBQD1). Also called: MICROMELIC DWARFISM WITH VERTEBRAL AND METAPHYSEAL ABNORMALITIES AND ADVANCED CARPOTARSAL OSSIFICATION; DESBUQUOIS DYSPLASIA 1, KIM VARIANT. Identifiers: Orphanet 1425, MedGen C4012146, MONDO:0009629, OMIM 251450.

Allele frequency attached by ClinVar (database versions not stated): TOPMed below 0.00001.

Submission:

Labcorp Genetics (formerly Invitae), Labcorp
Classification: Uncertain significance for Desbuquois dysplasia 1. Last evaluated: 2024-01-15. Review status: criteria provided, single submitter. Criteria: Invitae Variant Classification Sherloc (09022015). Collection method: clinical testing. Allele origin: germline.
Comment: This sequence change replaces glutamic acid, which is acidic and polar, with valine, which is neutral and non-polar, at codon 66 of the XYLT1 protein (p.Glu66Val). The frequency data for this variant in the population databases is considered unreliable, as metrics indicate insufficient coverage at this position in the gnomAD database. This variant has not been reported in the literature in individuals affected with XYLT1-related conditions. ClinVar contains an entry for this variant (Variation ID: 1993161). Experimental studies and prediction algorithms are not available or were not evaluated, and the functional significance of this variant is currently unknown. In summary, the available evidence is currently insufficient to determine the role of this variant in disease. Therefore, it has been classified as a Variant of Uncertain Significance.

NM_022166.4(XYLT1):c.197A>T (p.Glu66Val)

Gene: XYLT1 (xylosyltransferase 1; minus strand). Cytogenetic location: 16p12.3.
Variant type: single nucleotide variant.
Coding change: c.197A>T on transcript NM_022166.4 (MANE Select); coding-DNA position 197, A replaced by T.
Protein change: p.Glu66Val; replaces glutamic acid 66 with valine.
Molecular consequence: missense variant.
Genome position (GRCh38, 1-based): chr16:17,470,600, T>A on the plus strand (A>T on the coding strand, the complement: XYLT1 is on the minus strand). VCF-style: chr16-17470600-T-A. GRCh37 (hg19) VCF-style: chr16-17564457-T-A.
Other names: short protein forms E66V.
Identifiers: ClinVar variation 1993161 (VCV001993161.4), dbSNP rs2036975458, ClinGen allele CA395220203.
Genomic context (GRCh38, chr16:17,470,600, plus strand): 5'-CCGCCGCCGCCTCCTCCTCCTCCTCGGGCTGCAGCCGGCTCGGCGGGCAGGTCCCGGCGC[T>A]CCCGGCGCGGGGCCGGGGCCGGGGGCGGCTGCTCCCCGCCGCCGACCGCTGCGCCCCCGC-3'
Protein context (NP_071449.1, residues 56-76): QPPPAPAPRR[Glu66Val]RRDLPAEPAA